The following is an entry in ClinVar:

ClinVar aggregate classification (germline): Uncertain significance (1 of 4 stars; one submission).

Conditions:
Acute myeloid leukemia (AML). Also called: Acute myeloid leukemia, adult; AML adult; Acute non-lymphocytic leukemia; Acute granulocytic leukemia; Leukemia, acute myeloid, somatic; Leukemia, acute myelogenous, somatic. Identifiers: Orphanet 519, MedGen C0023467, MeSH D015470, MONDO:0018874, OMIM 601626, HP:0004808. Disease mechanism: Constitutively activated FLT3.

Submission:

Labcorp Genetics (formerly Invitae), Labcorp
Classification: Uncertain significance for Acute myeloid leukemia. Last evaluated: 2024-11-25. Review status: criteria provided, single submitter. Criteria: Invitae Variant Classification Sherloc (09022015). Collection method: clinical testing. Allele origin: germline.
Comment: This sequence change replaces serine, which is neutral and polar, with threonine, which is neutral and polar, at codon 277 of the CEBPA protein (p.Ser277Thr). This variant is not present in population databases (gnomAD no frequency). This variant has not been reported in the literature in individuals affected with CEBPA-related conditions. Invitae Evidence Modeling of protein sequence and biophysical properties (such as structural, functional, and spatial information, amino acid conservation, physicochemical variation, residue mobility, and thermodynamic stability) indicates that this missense variant is not expected to disrupt CEBPA protein function with a negative predictive value of 80%. In summary, the available evidence is currently insufficient to determine the role of this variant in disease. Therefore, it has been classified as a Variant of Uncertain Significance.

NM_004364.5(CEBPA):c.829T>A (p.Ser277Thr)

Gene: CEBPA (CCAAT enhancer binding protein alpha; minus strand). Cytogenetic location: 19q13.11.
Variant type: single nucleotide variant.
Coding change: c.829T>A on transcript NM_004364.5 (MANE Select); coding-DNA position 829, T replaced by A.
Protein change: p.Ser277Thr; replaces serine 277 with threonine.
Molecular consequence: missense variant.
Genome position (GRCh38, 1-based): chr19:33,301,586, A>T on the plus strand (T>A on the coding strand, the complement: CEBPA is on the minus strand). VCF-style: chr19-33301586-A-T. GRCh37 (hg19) VCF-style: chr19-33792492-A-T.
Other names: c.472T>A, p.Ser158Thr (NM_001285829.2); c.934T>A, p.Ser312Thr (NM_001287424.2); c.787T>A, p.Ser263Thr (NM_001287435.2); short protein forms S158T, S263T, S277T, S312T.
Identifiers: ClinVar variation 3609934 (VCV003609934.2).